The following is an entry in ClinVar:

ClinVar aggregate classification (germline): Benign (3 of 4 stars; one submission).

Conditions:
Breast-ovarian cancer, familial, susceptibility to, 1 (BROVCA1). Also called: BRCA1 Hereditary Breast and Ovarian Cancer; OVARIAN CANCER, SUSCEPTIBILITY TO. Identifiers: Orphanet 145, MedGen C2676676, MONDO:0011450, OMIM 604370. Disease mechanism: loss of function.

Allele frequency attached by ClinVar (database versions not stated): gnomAD 0.00136 and 0.00143; 1000 Genomes Project 30x 0.00156; TOPMed 0.00163; 1000 Genomes Project 0.00200.
gnomAD v4.1: 204 of 151,912 alleles (0.13%); highest among the groups gnomAD compares: African/African-American, 0.47%; 1 homozygote.

Submission:

Evidence-based Network for the Interpretation of Germline Mutant Alleles (ENIGMA)
Classification: Benign for Breast-ovarian cancer, familial 1. Last evaluated: 2015-01-12. Review status: reviewed by expert panel. Criteria: ENIGMA BRCA1/2 Classification Criteria (2015). Collection method: curation. Allele origin: germline.
Comment: Class 1 not pathogenic based on frequency >1% in an outbred sampleset. Frequency 0.01423 (African), derived from 1000 genomes (2012-04-30).

NM_007294.4(BRCA1):c.135-1006G>A

Gene: BRCA1 (BRCA1 DNA repair associated; minus strand). Cytogenetic location: 17q21.31.
Variant type: single nucleotide variant.
Coding change: c.135-1006G>A on transcript NM_007294.4 (MANE Select); 1006 bases into the intron before coding-DNA position 135, G replaced by A.
Molecular consequence: intron variant.
Genome position (GRCh38, 1-based): chr17:43,107,539, C>T on the plus strand (G>A on the coding strand, the complement: BRCA1 is on the minus strand). VCF-style: chr17-43107539-C-T. GRCh37 (hg19) VCF-style: chr17-41259556-C-T.
Other names: IVS 3-1006G>A; c.-7-1006G>A (NM_001408458.1, NM_001407931.1, NM_001407747.1 and 99 more transcripts); c.-218-12679G>A (NM_001407967.1, NM_001407966.1); c.-169-2583G>A (NM_001407959.1, NM_001407962.1, NM_001408512.1 and 4 more transcripts); c.-54-1006G>A (NM_001407885.1, NM_001407886.1, NM_001407898.1 and 58 more transcripts); c.135-1006G>A (NM_001407686.1, NM_001408397.1, NM_001407632.1 and 167 more transcripts); c.81-2583G>A (NM_001408451.1); c.135-2583G>A (NM_001408475.1, NM_001407875.1, NM_001407659.1 and 21 more transcripts).
Identifiers: ClinVar variation 209497 (VCV000209497.2), dbSNP rs8176124, ClinGen allele CA276467.